The following is an entry in ClinVar:

NM_017886.4(ULK4):c.670A>G (p.Ile224Val)

Gene: ULK4 (unc-51 like kinase 4; minus strand). Cytogenetic location: 3p22.1.
Variant type: single nucleotide variant.
Coding change: c.670A>G on transcript NM_017886.4 (MANE Select); coding-DNA position 670, A replaced by G.
Protein change: p.Ile224Val; replaces isoleucine 224 with valine.
Molecular consequence: missense variant. On other transcripts: 5 prime UTR variant (1), non-coding transcript variant (1).
Genome position (GRCh38, 1-based): chr3:41,918,514, T>C on the plus strand (A>G on the coding strand, the complement: ULK4 is on the minus strand). VCF-style: chr3-41918514-T-C. GRCh37 (hg19) VCF-style: chr3-41960006-T-C.
Other names: c.670A>G, p.Ile224Val (NM_001322500.2); c.-161A>G (NM_001322501.2); short protein forms I224V.
Identifiers: ClinVar variation 403590 (VCV000403590.5), dbSNP rs1716975, ClinGen allele CA2332629.

ClinVar aggregate classification (germline): Benign. Review status: criteria provided, multiple submitters, no conflicts (2 of 4 stars). 2 submissions from 2 submitters: Benign (2). Last evaluated 2016-03-29.

Allele frequency attached by ClinVar (database versions not stated): TOPMed 0.66458; gnomAD 0.66779 and 0.67892; ESP Exome Variant Server 0.67473; 1000 Genomes Project 30x 0.67661; 1000 Genomes Project 0.67991; ExAC 0.78474; gnomAD exomes 0.78712 and 0.81684.
gnomAD v4.1: 1,269,436 of 1,581,668 alleles (80%); highest among the groups gnomAD compares: East Asian, 85%; 519,508 homozygotes.

Submissions (2):

Laboratory for Molecular Medicine, Mass General Brigham Personalized Medicine
Classification: Benign. Last evaluated: 2016-03-29. Review status: criteria provided, single submitter. Criteria: LMM Criteria. Collection method: clinical testing. Allele origin: germline.
Comment: Variant identified in a genome or exome case(s) and assessed due to predicted null impact of the variant or pathogenic assertions in the literature or databases. Disclaimer: This variant has not undergone full assessment. The following are preliminary notes: Frequency

Breakthrough Genomics
Classification: Benign. Review status: criteria provided, single submitter. Criteria: ACMG Guidelines, 2015. Collection method: not provided. Allele origin: germline. Inheritance: Unknown mechanism. Affected: yes.